The following is an entry in ClinVar:

ClinVar aggregate classification (germline): Benign/Likely benign. Review status: criteria provided, multiple submitters, no conflicts (2 of 4 stars). 5 submissions from 5 submitters: Benign (2); Likely benign (3). Last evaluated 2026-02-03.

Conditions:
Inborn genetic diseases. Identifiers: MedGen C0950123, MeSH D030342.

Submissions (5):

Labcorp Genetics (formerly Invitae), Labcorp
Classification: Benign. Last evaluated: 2026-02-03. Review status: criteria provided, single submitter. Criteria: Invitae Variant Classification Sherloc (09022015). Collection method: clinical testing. Allele origin: germline.

Ambry Genetics
Classification: Likely benign for Inborn genetic diseases. Last evaluated: 2025-01-15. Review status: criteria provided, single submitter. Criteria: Ambry Variant Classification Scheme 2023. Collection method: clinical testing. Allele origin: germline.

Blueprint Genetics
Classification: Likely benign. Last evaluated: 2024-11-12. Review status: criteria provided, single submitter. Criteria: ACMG Guidelines, 2015. Collection method: clinical testing. Allele origin: germline.

CeGaT Center for Human Genetics Tuebingen
Classification: Likely benign. Last evaluated: 2022-07-01. Review status: criteria provided, single submitter. Criteria: CeGaT Center For Human Genetics Tuebingen Variant Classification Criteria Version 2. Collection method: clinical testing. Allele origin: germline. Affected: yes. Observed: 8 variant alleles.
Comment: KMT2B: BS2

GeneDx
Classification: Benign. Last evaluated: 2020-07-29. Review status: criteria provided, single submitter. Criteria: GeneDx Variant Classification Process June 2021. Collection method: clinical testing. Allele origin: germline. Affected: yes.

NM_014727.3(KMT2B):c.3529-3dup

Gene: KMT2B (lysine methyltransferase 2B; plus strand). Cytogenetic location: 19q13.12.
Variant type: Duplication.
Coding change: c.3529-3dup on transcript NM_014727.3 (MANE Select); 3 bases into the intron before coding-DNA position 3529, one base duplicated (C; older notation c.3529-3dupC).
Molecular consequence: intron variant.
Genome position (GRCh38, 1-based): chr19:35,725,217, C duplicated; the last of 5 consecutive C bases (chr19:35,725,213-35,725,217); duplicating any one gives the same sequence. VCF-style (leftmost placement, unchanged base first): chr19-35725212-T-TC. GRCh37 (hg19) VCF-style: chr19-36216113-T-TC.
Other names: c.3529-3dupC (NM_014727.1).
Identifiers: ClinVar variation 623943 (VCV000623943.53), dbSNP rs539483328, ClinGen allele CA9384799.